The following is an entry in ClinVar:

NM_000308.4(CTSA):c.1294del (p.Asp432fs)

Gene: CTSA (cathepsin A; plus strand). Cytogenetic location: 20q13.12.
Variant type: Deletion.
Coding change: c.1294del on transcript NM_000308.4 (MANE Select); coding-DNA position 1294, one base deleted (G; older notation c.1294delG).
Protein change: p.Asp432fs; shifts the reading frame from aspartic acid 432.
Molecular consequence: frameshift variant. On other transcripts: non-coding transcript variant (1).
Genome position (GRCh38, 1-based): chr20:45,898,044, G deleted; the last of 4 consecutive G bases (chr20:45,898,041-45,898,044); deleting any one gives the same sequence. VCF-style (leftmost placement, unchanged base first): chr20-45898040-CG-C. GRCh37 (hg19) VCF-style: chr20-44526679-CG-C.
Other names: c.1294del, p.Asp432fs (NM_001127695.3); c.1243del, p.Asp415fs (NM_001167594.3); short protein forms D415fs, D432fs.
Identifiers: ClinVar variation 1705554 (VCV001705554.1), dbSNP rs2515448712, ClinGen allele CA2580098215.

ClinVar aggregate classification (germline): Pathogenic (1 of 4 stars; one submission).

Conditions:
Combined deficiency of sialidase AND beta galactosidase (GSL). Also called: GOLDBERG SYNDROME; NEURAMINIDASE DEFICIENCY WITH BETA-GALACTOSIDASE DEFICIENCY; NEURAMINIDASE/BETA-GALACTOSIDASE EXPRESSION; PPCA DEFICIENCY; PROTECTIVE PROTEIN/CATHEPSIN A DEFICIENCY; CATHEPSIN A DEFICIENCY. Identifiers: Orphanet 351, MedGen C0268233, MONDO:0009737, OMIM 256540.

Submission:

3billion
Classification: Pathogenic for Combined deficiency of sialidase AND beta galactosidase. Last evaluated: 2022-09-01. Review status: criteria provided, single submitter. Criteria: ACMG Guidelines, 2015. Collection method: clinical testing. Allele origin: germline. Affected: yes. Observed: 1 homozygote.
Comment: The variant is not observed in the gnomAD v2.1.1 dataset. Frameshift variant is predicted to result in a loss or disruption of normal protein function through nonsense-mediated decay (NMD) or protein truncation. Therefore, this variant is classified as Pathogenic according to the recommendation of ACMG/AMP guideline.